The following continues an entry in ClinVar:

NM_007294.4(BRCA1):c.2389_2390del (p.Glu797fs)

Gene: BRCA1. ClinVar aggregate classification (germline): Pathogenic. Pathogenic (1).

Submissions 9 to 16 of 16:

Women's Health and Genetics/Laboratory Corporation of America, LabCorp
Classification: Pathogenic for Hereditary breast and ovarian cancer syndrome. Last evaluated: 2019-06-07. Review status: criteria provided, single submitter. Criteria: LabCorp Variant Classification Summary - May 2015. Collection method: clinical testing. Allele origin: germline. Not counted in ClinVar's aggregate classification.
Comment: Variant summary: BRCA1 c.2389_2390delGA (p.Glu797ThrfsX3) results in a premature termination codon, predicted to cause a truncation of the encoded protein or absence of the protein due to nonsense mediated decay, which are commonly known mechanisms for disease. Truncations downstream of this position have been classified as pathogenic by our laboratory. The variant was absent in 250564 control chromosomes. c.2389_2390delGA has been reported in the literature in individuals affected with Hereditary Breast and Ovarian Cancer (Yoshikawa_1999, Kawahara_2004, Kashima_2000, Alsop_2012, Luyeye Mvila_2014). To our knowledge, no experimental evidence demonstrating an impact on protein function has been reported. Five clinical diagnostic laboratories have submitted clinical-significance assessments for this variant to ClinVar after 2014 without evidence for independent evaluation. All laboratories classified the variant as pathogenic. Based on the evidence outlined above, the variant was classified as pathogenic.

Quest Diagnostics Nichols Institute San Juan Capistrano
Classification: Pathogenic. Last evaluated: 2016-09-30. Review status: criteria provided, single submitter. Criteria: Quest Diagnostics criteria. Collection method: clinical testing. Allele origin: germline. Not counted in ClinVar's aggregate classification.

Consortium of Investigators of Modifiers of BRCA1/2 (CIMBA), c/o University of Cambridge
Classification: Pathogenic for Breast-ovarian cancer, familial, susceptibility to, 1. Last evaluated: 2015-10-02. Review status: criteria provided, single submitter. Criteria: CIMBA Mutation Classification guidelines May 2016. Collection method: clinical testing. Allele origin: germline. Not counted in ClinVar's aggregate classification.

Genesis Genomics
Classification: Pathogenic for Breast-ovarian cancer, familial, susceptibility to, 1. Review status: criteria provided, single submitter. Criteria: ACMG Guidelines, 2015. Collection method: clinical testing. Allele origin: germline. Affected: yes and no. Observed: 2 variant alleles. Not counted in ClinVar's aggregate classification.

BRCAlab, Lund University
Classification: Pathogenic for Breast-ovarian cancer, familial, susceptibility to, 1. Last evaluated: 2022-08-26. Review status: no assertion criteria provided. Collection method: clinical testing. Allele origin: germline. Affected: yes. Not counted in ClinVar's aggregate classification.

Laboratory for Genotyping Development, RIKEN
Classification: Pathogenic for Gastric cancer. Last evaluated: 2021-07-01. Review status: no assertion criteria provided. Collection method: research. Allele origin: germline. Not counted in ClinVar's aggregate classification.

Sharing Clinical Reports Project (SCRP)
Classification: Pathogenic for Breast-ovarian cancer, familial 1. Last evaluated: 2012-05-01. Review status: no assertion criteria provided. Collection method: clinical testing. Allele origin: germline. Not counted in ClinVar's aggregate classification.

Breast Cancer Information Core (BIC) (BRCA1)
Classification: Pathogenic for Breast-ovarian cancer, familial 1. Last evaluated: 2003-12-23. Review status: no assertion criteria provided. Collection method: clinical testing. Allele origin: germline. Affected: yes. Observed: 4 variant alleles. Not counted in ClinVar's aggregate classification.

Literature cited by the submitters: PubMed 10326698 (cited by Color Diagnostics, LLC DBA Color Health); PubMed 10634513 (cited by 5 submitters); PubMed 10804288 (cited by 4 submitters); PubMed 12624724 (cited by 3 submitters); PubMed 15168169 (cited by 5 submitters); PubMed 22711857 (cited by 4 submitters); PubMed 25070656 (cited by 6 submitters); PubMed 27469594 (cited by 4 submitters); PubMed 20104584 (cited by Labcorp Genetics (formerly Invitae), Labcorp); PubMed 10389907 (cited by 3 submitters); PubMed 29176636 (cited by Ambry Genetics); PubMed 29907814 (cited by Ambry Genetics and Department of Pathology and Laboratory Medicine, Sinai Health System); PubMed 30159786 (cited by Ambry Genetics); PubMed 33037428 (cited by Ambry Genetics); PubMed 30287823 (cited by Department of Pathology and Laboratory Medicine, Sinai Health System); PubMed 18528753 (cited by Department of Pathology and Laboratory Medicine, Sinai Health System and Quest Diagnostics Nichols Institute San Juan Capistrano); PubMed 26187060 (cited by Quest Diagnostics Nichols Institute San Juan Capistrano); PubMed 36988593 (cited by Laboratory for Genotyping Development, RIKEN).